The following is an entry in ClinVar:

ClinVar aggregate classification (germline): Benign/Likely benign. Review status: criteria provided, multiple submitters, no conflicts (2 of 4 stars). 6 submissions from 2 submitters: Benign (5); Likely benign (1). Last evaluated 2021-05-15.

Conditions:
Congenital myasthenic syndrome 16. Identifiers: Orphanet 590, MedGen C3280112, MONDO:0013620, OMIM 614198.
Paramyotonia congenita of Von Eulenburg. Also called: Paramyotonia Congenita; PARALYSIS PERIODICA PARAMYOTONICA; Eulenburg disease; Myotonia congenita intermittens; Von Eulenburg paramyotonia congenita. Identifiers: Orphanet 684, MedGen C0221055, MONDO:0008195, OMIM 168300. Disease mechanism: loss of function.
Hyperkalemic periodic paralysis. Also called: Familial hyperkalemic periodic paralysis; Gamstorp disease. Identifiers: Orphanet 682, MedGen C0238357, MONDO:0008224, OMIM 170500, HP:0007215.
Hypokalemic periodic paralysis, type 2 (HOKPP2). Identifiers: Orphanet 681, MedGen C2750061, MONDO:0013234, OMIM 613345.
Potassium-aggravated myotonia. Also called: Myotonia congenita, atypical, acetazolamide-responsive; MYOTONIA CONGENITA, ACETAZOLAMIDE-RESPONSIVE; MYOTONIA CONGENITA, ATYPICAL; SODIUM CHANNEL MUSCLE DISEASE. Identifiers: Orphanet 612, Orphanet 99734, Orphanet 99735, Orphanet 99736, MedGen C2931826, MONDO:0018959, OMIM 608390.

Allele frequency attached by ClinVar (database versions not stated): 1000 Genomes Project 30x 0.01031; gnomAD 0.01671 and 0.01686; TOPMed 0.01546; gnomAD exomes 0.01639; 1000 Genomes Project 0.01018.
gnomAD v4.1: 2,296 of 136,192 alleles (1.7%); highest among the groups gnomAD compares: Middle Eastern, 2.8%; 27 homozygotes.

Submissions (6):

GeneDx
Classification: Likely benign. Last evaluated: 2021-05-15. Review status: criteria provided, single submitter. Criteria: GeneDx Variant Classification Process June 2021. Collection method: clinical testing. Allele origin: germline. Affected: yes.

Illumina Laboratory Services, Illumina
Classification: Benign for Paramyotonia congenita of Von Eulenburg. Last evaluated: 2018-01-13. Review status: criteria provided, single submitter. Criteria: ICSL Variant Classification Criteria 13 December 2019. Collection method: clinical testing. Allele origin: germline.
Comment: This variant was observed in the ICSL laboratory as part of a predisposition screen in an ostensibly healthy population. It had not been previously curated by ICSL or reported in the Human Gene Mutation Database (HGMD: prior to June 1st, 2018), and was therefore a candidate for classification through an automated scoring system. Utilizing variant allele frequency, disease prevalence and penetrance estimates, and inheritance mode, an automated score was calculated to assess if this variant is too frequent to cause the disease. Based on the score and internal cut-off values, a variant classified as benign is not then subjected to further curation. The score for this variant resulted in a classification of benign for this disease.

Illumina Laboratory Services, Illumina
Classification: Benign for Hyperkalemic periodic paralysis. Last evaluated: 2018-01-13. Review status: criteria provided, single submitter. Criteria: ICSL Variant Classification Criteria 13 December 2019. Collection method: clinical testing. Allele origin: germline.
Comment: the same text as in the submission from Illumina Laboratory Services, Illumina above.

Illumina Laboratory Services, Illumina
Classification: Benign for Hypokalemic periodic paralysis, type 2. Last evaluated: 2018-01-13. Review status: criteria provided, single submitter. Criteria: ICSL Variant Classification Criteria 13 December 2019. Collection method: clinical testing. Allele origin: germline.
Comment: the same text as in the submission from Illumina Laboratory Services, Illumina above.

Illumina Laboratory Services, Illumina
Classification: Benign for Potassium-aggravated myotonia. Last evaluated: 2018-01-13. Review status: criteria provided, single submitter. Criteria: ICSL Variant Classification Criteria 13 December 2019. Collection method: clinical testing. Allele origin: germline.
Comment: the same text as in the submission from Illumina Laboratory Services, Illumina above.

Illumina Laboratory Services, Illumina
Classification: Benign for Congenital myasthenic syndrome 16. Last evaluated: 2018-01-13. Review status: criteria provided, single submitter. Criteria: ICSL Variant Classification Criteria 13 December 2019. Collection method: clinical testing. Allele origin: germline.
Comment: the same text as in the submission from Illumina Laboratory Services, Illumina above.

NM_000334.4(SCN4A):c.*1368G>C

Genes: GH-LCR (growth hormone locus control region; plus strand), SCN4A (sodium voltage-gated channel alpha subunit 4; minus strand). Cytogenetic location: 17q23.3.
Variant type: single nucleotide variant.
Coding change: c.*1368G>C on transcript NM_000334.4 (MANE Select); 1368 bases downstream of the stop codon, G replaced by C.
Molecular consequence: 3 prime UTR variant.
Genome position (GRCh38, 1-based): chr17:63,939,403, C>G on the plus strand (G>C on the coding strand, the complement: SCN4A is on the minus strand). VCF-style: chr17-63939403-C-G. GRCh37 (hg19) VCF-style: chr17-62016763-C-G.
Identifiers: ClinVar variation 324480 (VCV000324480.6), dbSNP rs113385942, ClinGen allele CA10640194.